The following is an entry in ClinVar:

ClinVar aggregate classification (germline): Uncertain significance (1 of 4 stars; one submission).

Submission:

Labcorp Genetics (formerly Invitae), Labcorp
Classification: Uncertain significance. Last evaluated: 2025-10-21. Review status: criteria provided, single submitter. Criteria: Invitae Variant Classification Sherloc (09022015). Collection method: clinical testing. Allele origin: germline.
Comment: This sequence change replaces isoleucine, which is neutral and non-polar, with threonine, which is neutral and polar, at codon 63 of the ALPK3 protein (p.Ile63Thr). This variant is present in population databases (no rsID available, gnomAD 0.003%). This variant has not been reported in the literature in individuals affected with ALPK3-related conditions. An algorithm developed to predict the effect of missense changes on protein structure and function outputs the following: PolyPhen-2: "Benign". The threonine amino acid residue is found in multiple mammalian species, which suggests that this missense change does not adversely affect protein function. In summary, the available evidence is currently insufficient to determine the role of this variant in disease. Therefore, it has been classified as a Variant of Uncertain Significance.

NC_000015.10:g.84817034T>C

Gene: ALPK3 (alpha kinase 3; plus strand). Cytogenetic location: 15q25.3.
Variant type: single nucleotide variant.
Genome position: GRCh38 VCF-style: chr15-84817034-T-C. GRCh37 (hg19) VCF-style: chr15-85360265-T-C.
Identifiers: ClinVar variation 4774464 (VCV004774464.1).